The following is an entry in ClinVar:

ClinVar aggregate classification (germline): Pathogenic (1 of 4 stars; one submission).

Conditions:
Hereditary angioedema type 1 (HAE1). Identifiers: Orphanet 100050, Orphanet 100051, Orphanet 91378, MedGen C2717906, MONDO:0015053, OMIM 106100.

Submission:

DNA-diagnostics Laboratory, Research Centre For Medical Genetics
Classification: Pathogenic for Hereditary angioedema type 1. Last evaluated: 2024-06-29. Review status: criteria provided, single submitter. Criteria: ACMG Guidelines, 2015. Collection method: research. Allele origin: germline. Inheritance: Autosomal dominant inheritance. Affected: yes. Observed: 3 variant alleles, 3 heterozygotes.
Comment: The c.550+1G>C variant in SERPING1 meets ACMG/ClinGen SVI guidance criteria to be classified as pathogenic: PVS1, PP4_Str, PS1_Sup, PM2_Sup, PP1

NM_000062.3(SERPING1):c.550+1G>C

Gene: SERPING1 (serpin family G member 1; plus strand). Cytogenetic location: 11q12.1.
Variant type: single nucleotide variant.
Coding change: c.550+1G>C on transcript NM_000062.3 (MANE Select); the canonical splice donor site of the intron after coding-DNA position 550, G replaced by C.
Molecular consequence: splice donor variant.
Genome position (GRCh38, 1-based): chr11:57,600,378, G>C. VCF-style: chr11-57600378-G-C. GRCh37 (hg19) VCF-style: chr11-57367851-G-C.
Other names: c.550+1G>C (NM_001032295.2).
Identifiers: ClinVar variation 3248556 (VCV003248556.2), dbSNP rs2135308859.
Genomic context (GRCh38, chr11:57,600,378, plus strand): 5'-AGACCAACATGGCCTTTTCCCCATTCAGCATCGCCAGCCTCCTTACCCAGGTCCTGCTCG[G>C]TAAGACCCTGCTTGAATTCTCTCCAGGTCATTTGTTGGACACTCCCATAAGAGTCACCAA-3'